The following is an entry in ClinVar:

NM_000836.4(GRIN2D):c.2740C>A (p.Pro914Thr)

Gene: GRIN2D (glutamate ionotropic receptor NMDA type subunit 2D; plus strand). Cytogenetic location: 19q13.33.
Variant type: single nucleotide variant.
Coding change: c.2740C>A on transcript NM_000836.4 (MANE Select); coding-DNA position 2740, C replaced by A.
Protein change: p.Pro914Thr; replaces proline 914 with threonine.
Molecular consequence: missense variant.
Genome position (GRCh38, 1-based): chr19:48,442,666, C>A. VCF-style: chr19-48442666-C-A. GRCh37 (hg19) VCF-style: chr19-48945923-C-A.
Other names: short protein forms P914T.
Identifiers: ClinVar variation 1446380 (VCV001446380.6), dbSNP rs1296113196, ClinGen allele CA406671381.

ClinVar aggregate classification (germline): Uncertain significance (1 of 4 stars; one submission).

Allele frequency attached by ClinVar (database versions not stated): gnomAD 0.00001; TOPMed 0.00002.

Submission:

Labcorp Genetics (formerly Invitae), Labcorp
Classification: Uncertain significance. Last evaluated: 2025-12-05. Review status: criteria provided, single submitter. Criteria: Invitae Variant Classification Sherloc (09022015). Collection method: clinical testing. Allele origin: germline.
Comment: This sequence change replaces proline, which is neutral and non-polar, with threonine, which is neutral and polar, at codon 914 of the GRIN2D protein (p.Pro914Thr). This variant is not present in population databases (gnomAD no frequency). This variant has not been reported in the literature in individuals affected with GRIN2D-related conditions. ClinVar contains an entry for this variant (Variation ID: 1446380). Invitae Evidence Modeling of protein sequence and biophysical properties (such as structural, functional, and spatial information, amino acid conservation, physicochemical variation, residue mobility, and thermodynamic stability) indicates that this missense variant is not expected to disrupt GRIN2D protein function with a negative predictive value of 95%. In summary, the available evidence is currently insufficient to determine the role of this variant in disease. Therefore, it has been classified as a Variant of Uncertain Significance.